The following is an entry in ClinVar:

NM_000156.6(GAMT):c.328G>T (p.Val110Phe)

Gene: GAMT (guanidinoacetate N-methyltransferase; minus strand). Cytogenetic location: 19p13.3.
Variant type: single nucleotide variant.
Coding change: c.328G>T on transcript NM_000156.6 (MANE Select); coding-DNA position 328, G replaced by T.
Protein change: p.Val110Phe; replaces valine 110 with phenylalanine.
Molecular consequence: missense variant.
Genome position (GRCh38, 1-based): chr19:1,399,587, C>A on the plus strand (G>T on the coding strand, the complement: GAMT is on the minus strand). VCF-style: chr19-1399587-C-A. GRCh37 (hg19) VCF-style: chr19-1399586-C-A.
Other names: p.V110F:GTC>TTC; NM_000156.6(GAMT):c.328G>T; c.328G>T, p.Val110Phe (NM_138924.3); c.328G>T (NM_000156.5); short protein forms V110F.
Identifiers: ClinVar variation 205580 (VCV000205580.8), dbSNP rs753198836, ClinGen allele CA314806.

ClinVar aggregate classification (germline): Likely pathogenic. Review status: reviewed by expert panel (3 of 4 stars). 5 submissions from 5 submitters: Likely pathogenic (1). 4 of the submissions do not count toward it. Last evaluated 2025-04-18.

Conditions:
Cerebral creatine deficiency syndrome. Also called: Creatine deficiency syndromes. Identifiers: Orphanet 79172, MedGen C5244016, MONDO:0000456.
Deficiency of guanidinoacetate methyltransferase (CCDS2). Also called: GAMT DEFICIENCY; Guanidinoacetate Methyltransferase (GAMT) Deficiency; CEREBRAL CREATINE DEFICIENCY SYNDROME 2. Identifiers: Orphanet 382, MedGen C0574080, MONDO:0012999, OMIM 612736.

Allele frequency attached by ClinVar (database versions not stated): gnomAD 0.00002; TOPMed below 0.00001; ExAC 0.00001.
gnomAD v4.1: 12 of 1,612,222 alleles (0.00074%); highest among the groups gnomAD compares: Non-Finnish European, 0.00093%; no homozygotes.

Submissions (5):

ClinGen Cerebral Creatine Deficiency Syndromes Variant Curation Expert Panel, ClinGen
Classification: Likely pathogenic for Deficiency of guanidinoacetate methyltransferase. Last evaluated: 2025-04-18. Review status: reviewed by expert panel. Criteria: ClinGen CCDS ACMG Specifications GAMT V2.0.0. Collection method: curation. Allele origin: germline. Inheritance: Autosomal recessive inheritance.
Comment: The NM_000156.6:c.328G>T variant in GAMT is a missense variant predicted to cause substitution of valine by phenylalanine at amino acid 110 (p.Val110Phe). Two patient(s) with this variant had elevated guanidinoacetate in urine and decreased creatine peak on MRS (PMID: 24415674; CreatineInfo Registry) (PP4_Strong). Both individuals with GAMT deficiency were heterozygous for the variant and another variant in GAMT that has been classified as pathogenic (c.327G>A, PMID: 24415674) or likely pathogenic (CreatineInfo Registry data) by the ClinGen CCDS VCEP. The phase was unconfirmed in both cases (PM3_Supporting). The variant has also been reported in an individual with neurodevelopmental disorder/epilepsy but further details are unavailable, and it is unknown if this case may overlap with either of the other 2 cases (PMID: 29655203). Expression of the variant in GAMT-deficient fibroblasts resulted in extremely low GAMT activity, and no detectable expression of the protein (Figure 1, PMID 24415674) indicating that this variant may impact protein function (PS3_Supporting). The computational predictor REVEL gives a score of 0.928 which is in the range of 0.773-0.932, evidence that correlates with impact to GAMT function at the moderate level. Furthermore, SpliceAI predicts that this variant, which alters the first nucleotide of exon 3, impacts normal splicing (score = 0.4 for acceptor loss) (PP3_Moderate). The highest population minor allele frequency in gnomAD v4.1.0 is 0.000009326 (11/1179478 alleles) in the European non-Finnish population, which is lower than the ClinGen CCDS VCEP’s threshold for PM2_Supporting (<0.0004), meeting this criterion (PM2_Supporting). There is a ClinVar entry for this variant (Variation ID: 205580. In summary, this variant meets the criteria to be classified as likely pathogenic for GAMT deficiency. GAMT-specific ACMG/AMP criteria applied, as specified by the ClinGen Cerebral Creatine Deficiency Syndromes Variant Curation Expert Panel (Specifications Version 1.1.0): PP4_strong, PP3_Moderate, PS3_Supporting, PM3_Supporting, PM2_Supporting. (Classification approved by the ClinGen CCDS VCEP on April 18, 2025).

Revvity Omics, Revvity
Classification: Likely pathogenic for Deficiency of guanidinoacetate methyltransferase. Last evaluated: 2024-12-11. Review status: criteria provided, single submitter. Criteria: ACMG Guidelines, 2015. Collection method: clinical testing. Allele origin: germline. Not counted in ClinVar's aggregate classification.

Natera, Inc.
Classification: Likely pathogenic for Guanidinoacetate methyltransferase deficiency. Last evaluated: 2024-05-23. Review status: criteria provided, single submitter. Criteria: Natera Variant Classification Schema (03/2026). Collection method: clinical testing. Allele origin: germline. Not counted in ClinVar's aggregate classification.
Comment: The c.328G>T variant in GAMT is a missense variant predicted to cause substitution of valine to phenylalanine at amino acid 110. This variant is rare in the general population with a frequency below the threshold expected for the associated phenotype(s). This variant has been observed in one or more individuals affected with the associated recessive disease, as either homozygous or compound heterozygous with a second variant (PMID: 24415674). Functional studies show that this variant may disrupt protein function (PMID: 24415674). Computational prediction algorithms indicate this variant is likely to affect gene or protein function. Given the available evidence, this variant is classified as Likely Pathogenic.

Labcorp Genetics (formerly Invitae), Labcorp
Classification: Uncertain significance for Cerebral creatine deficiency syndrome. Last evaluated: 2022-05-26. Review status: criteria provided, single submitter. Criteria: Invitae Variant Classification Sherloc (09022015). Collection method: clinical testing. Allele origin: germline. Not counted in ClinVar's aggregate classification.
Comment: This sequence change replaces valine, which is neutral and non-polar, with phenylalanine, which is neutral and non-polar, at codon 110 of the GAMT protein (p.Val110Phe). This variant is not present in population databases (gnomAD no frequency). This missense change has been observed in individual(s) with guanidinoacetate methyltransferase deficiency (PMID: 24415674). ClinVar contains an entry for this variant (Variation ID: 205580). Algorithms developed to predict the effect of missense changes on protein structure and function are either unavailable or do not agree on the potential impact of this missense change (SIFT: "Deleterious"; PolyPhen-2: "Probably Damaging"; Align-GVGD: "Class C0"). Experimental studies have shown that this missense change affects GAMT function (PMID: 24415674). Algorithms developed to predict the effect of sequence changes on RNA splicing suggest that this variant may disrupt the consensus splice site. In summary, the available evidence is currently insufficient to determine the role of this variant in disease. Therefore, it has been classified as a Variant of Uncertain Significance.

GeneDx
Classification: Likely pathogenic. Last evaluated: 2017-02-01. Review status: criteria provided, single submitter. Criteria: GeneDx Variant Classification (06012015). Collection method: clinical testing. Allele origin: germline. Affected: yes. Not counted in ClinVar's aggregate classification.
Comment: p.Val110Phe (GTC>TTC): c.328 G>T in exon 3 of the GAMT gene (NM_000156.4) The c.328 G>T variant has not been published as a mutation, nor has it been reported as a benign polymorphism to our knowledge. It was not observed in approximately 6,500 individuals of European and African American ancestry in the NHLBI Exome Sequencing Project, indicating it is not a common benign variant in these populations. Multiple in silico algorithms predict that c.328 G>T damages or destroys the natural splice acceptor site in intron 2 and leads to abnormal gene splicing. If c.328 G>T does not alter splicing, it will result in the V110F missense change. The V110F variant is a semi-conservative amino acid substitution, which may impact secondary protein structure as these residues differ in some properties. This substitution occurs at a position that is conserved in mammals, and in silico analysis predicts this variant is probably damaging to the protein structure/function. Therefore, the c.328 G>T variant is a strong candidate for a pathogenic mutation, however the possibility that it is a benign variant cannot be excluded. The variant is found in EPILEPSY panel(s).

Literature cited by the submitters: PubMed 24415674 (cited by Natera, Inc. and Labcorp Genetics (formerly Invitae), Labcorp).